The following is an entry in ClinVar:

NM_000059.4(BRCA2):c.1542dup (p.Thr515fs)

Gene: BRCA2 (BRCA2 DNA repair associated; plus strand). Cytogenetic location: 13q13.1.
Variant type: Duplication.
Coding change: c.1542dup on transcript NM_000059.4 (MANE Select); coding-DNA position 1542, one base duplicated (G; older notation c.1542dupG).
Protein change: p.Thr515fs; shifts the reading frame from threonine 515.
Molecular consequence: frameshift variant.
Genome position (GRCh38, 1-based): chr13:32,333,020, G duplicated. VCF-style (leftmost placement, unchanged base first): chr13-32333019-A-AG. GRCh37 (hg19) VCF-style: chr13-32907156-A-AG.
Other names: 1769insG; c.1542dupG (NM_000059.3); short protein forms T515fs.
Identifiers: ClinVar variation 125948 (VCV000125948.2), dbSNP rs80359288, ClinGen allele CA012337.

ClinVar aggregate classification (germline): Pathogenic. Review status: reviewed by expert panel (3 of 4 stars). 2 submissions from 2 submitters: Pathogenic (1). 1 of the submissions does not count toward it. Last evaluated 2016-09-08.

Conditions:
Breast-ovarian cancer, familial, susceptibility to, 2 (BROVCA2). Also called: BRCA2 Hereditary Breast and Ovarian Cancer. Identifiers: Orphanet 145, MedGen C2675520, MONDO:0012933, OMIM 612555. Disease mechanism: loss of function.

Submissions (2):

Evidence-based Network for the Interpretation of Germline Mutant Alleles (ENIGMA)
Classification: Pathogenic for Breast-ovarian cancer, familial, susceptibility to, 2. Last evaluated: 2016-09-08. Review status: reviewed by expert panel. Criteria: ENIGMA BRCA1/2 Classification Criteria (2015). Collection method: curation. Allele origin: germline.
Comment: Variant allele predicted to encode a truncated non-functional protein.

Breast Cancer Information Core (BIC) (BRCA2)
Classification: Pathogenic for Breast-ovarian cancer, familial 2. Last evaluated: 1999-06-22. Review status: no assertion criteria provided. Collection method: clinical testing. Allele origin: germline. Affected: yes. Observed: 1 variant allele. Not counted in ClinVar's aggregate classification.